The following is an entry in ClinVar:

NM_005120.3(MED12):c.5779G>A (p.Val1927Ile)

Gene: MED12 (mediator complex subunit 12; plus strand). Cytogenetic location: Xq13.1.
Variant type: single nucleotide variant.
Coding change: c.5779G>A on transcript NM_005120.3 (MANE Select); coding-DNA position 5779, G replaced by A.
Protein change: p.Val1927Ile; replaces valine 1927 with isoleucine.
Molecular consequence: missense variant.
Genome position (GRCh38, 1-based): chrX:71,137,588, G>A. VCF-style: chrX-71137588-G-A. GRCh37 (hg19) VCF-style: chrX-70357438-G-A.
Other names: short protein forms V1927I.
Identifiers: ClinVar variation 519919 (VCV000519919.5), dbSNP rs1556339193, ClinGen allele CA413537847.

ClinVar aggregate classification (germline): Uncertain significance (1 of 4 stars; one submission).

Conditions:
Familial thoracic aortic aneurysm and aortic dissection (TAAD). Also called: Thoracic aortic aneurysms and dissections. Identifiers: Orphanet 91387, MedGen C4707243, MONDO:0019625.

Submission:

Ambry Genetics
Classification: Uncertain significance for Familial thoracic aortic aneurysm and aortic dissection. Last evaluated: 2017-12-14. Review status: criteria provided, single submitter. Criteria: Ambry Variant Classification Scheme 2023. Collection method: clinical testing. Allele origin: germline.
Comment: The p.V1927I variant (also known as c.5779G>A), located in coding exon 40 of the MED12 gene, results from a G to A substitution at nucleotide position 5779. The valine at codon 1927 is replaced by isoleucine, an amino acid with highly similar properties. This amino acid position is well conserved in available vertebrate species. In addition, this alteration is predicted to be tolerated by in silico analysis. Since supporting evidence is limited at this time, the clinical significance of this alteration remains unclear.